The following is an entry in ClinVar:

ClinVar aggregate classification (germline): Conflicting classifications of pathogenicity. Review status: criteria provided, conflicting classifications (1 of 4 stars). 7 submissions from 7 submitters: Uncertain significance (1); Benign (2); Likely benign (2). 2 of the submissions do not count toward it. Last evaluated 2026-01-26.

Conditions:
Early-infantile DEE. Also called: Early infantile epileptic encephalopathy; Ohtahara syndrome; Early infantile epileptic encephalopathy with suppression bursts. Identifiers: Orphanet 1934, MedGen C0393706, MONDO:0800491.

Allele frequency attached by ClinVar (database versions not stated): ESP Exome Variant Server 0.00008; gnomAD exomes 0.00011 and 0.00012; ExAC 0.00013; TOPMed 0.00014; gnomAD 0.00019; 1000 Genomes Project 0.00020; 1000 Genomes Project 30x 0.00031.
gnomAD v4.1: 198 of 1,606,734 alleles (0.012%); highest among the groups gnomAD compares: Middle Eastern, 0.15%; 1 homozygote.

Submissions (7):

Labcorp Genetics (formerly Invitae), Labcorp
Classification: Likely benign for Early-infantile DEE. Last evaluated: 2026-01-26. Review status: criteria provided, single submitter. Criteria: Invitae Variant Classification Sherloc (09022015). Collection method: clinical testing. Allele origin: germline.

Blueprint Genetics
Classification: Likely benign. Last evaluated: 2024-07-16. Review status: criteria provided, single submitter. Criteria: ACMG Guidelines, 2015. Collection method: clinical testing. Allele origin: germline.

Athena Diagnostics
Classification: Benign. Last evaluated: 2018-11-14. Review status: criteria provided, single submitter. Criteria: Athena Diagnostics Criteria. Collection method: clinical testing. Allele origin: germline.

Eurofins Ntd Llc (ga)
Classification: Uncertain significance. Last evaluated: 2015-09-22. Review status: criteria provided, single submitter. Criteria: EGL Classification Definitions 2015. Collection method: clinical testing. Allele origin: germline. Observed: 1 variant allele, 1 heterozygote.

GeneDx
Classification: Benign. Last evaluated: 2014-10-28. Review status: criteria provided, single submitter. Criteria: GeneDx Variant Classification (06012015). Collection method: clinical testing. Allele origin: germline. Affected: yes.
Comment: This variant is considered likely benign or benign based on one or more of the following criteria: it is a conservative change, it occurs at a poorly conserved position in the protein, it is predicted to be benign by multiple in silico algorithms, and/or has population frequency not consistent with disease.

Clinical Genetics DNA and cytogenetics Diagnostics Lab, Erasmus MC, Erasmus Medical Center
Classification: Likely benign. Review status: no assertion criteria provided. Collection method: clinical testing. Allele origin: germline. Affected: yes. Study: VKGL Data-share Consensus. Not counted in ClinVar's aggregate classification.

Genome Diagnostics Laboratory, University Medical Center Utrecht
Classification: Likely benign. Review status: no assertion criteria provided. Collection method: clinical testing. Allele origin: germline. Affected: yes. Study: VKGL Data-share Consensus. Not counted in ClinVar's aggregate classification.

NM_001165963.4(SCN1A):c.694+10A>G

Gene: SCN1A (sodium voltage-gated channel alpha subunit 1; minus strand). Cytogenetic location: 2q24.3.
Variant type: single nucleotide variant.
Coding change: c.694+10A>G on transcript NM_001165963.4 (MANE Select); 10 bases into the intron after coding-DNA position 694, A replaced by G.
Molecular consequence: intron variant.
Genome position (GRCh38, 1-based): chr2:166,052,842, T>C on the plus strand (A>G on the coding strand, the complement: SCN1A is on the minus strand). VCF-style: chr2-166052842-T-C. GRCh37 (hg19) VCF-style: chr2-166909352-T-C.
Other names: c.694+10A>G (NM_001353949.2, NM_001353958.2, NM_001353950.2 and 10 more transcripts); c.-1732+10A>G (NM_001353961.2).
Identifiers: ClinVar variation 93663 (VCV000093663.21), dbSNP rs373417440, ClinGen allele CA221619.